The following is an entry in ClinVar:

NM_000052.7(ATP7A):c.3902A>G (p.Asp1301Gly)

Gene: ATP7A (ATPase copper transporting alpha; plus strand). Cytogenetic location: Xq21.1.
Variant type: single nucleotide variant.
Coding change: c.3902A>G on transcript NM_000052.7 (MANE Select); coding-DNA position 3902, A replaced by G.
Protein change: p.Asp1301Gly; replaces aspartic acid 1301 with glycine.
Molecular consequence: missense variant. On other transcripts: non-coding transcript variant (1).
Genome position (GRCh38, 1-based): chrX:78,042,685, A>G. VCF-style: chrX-78042685-A-G. GRCh37 (hg19) VCF-style: chrX-77298183-A-G.
Other names: c.3902A>G (NM_000052.6); c.3668A>G, p.Asp1223Gly (NM_001282224.2); short protein forms D1223G, D1301G.
Identifiers: ClinVar variation 439425 (VCV000439425.10), dbSNP rs1557238588, ClinGen allele CA413605224.

ClinVar aggregate classification (germline): Likely pathogenic. Review status: criteria provided, single submitter (1 of 4 stars). 2 submissions from 2 submitters: Likely pathogenic (1). 1 of the submissions does not count toward it. Last evaluated 2018-09-13.

Conditions:
Menkes kinky-hair syndrome (MNK). Also called: Classic Menkes Disease; Copper transport disease; Menkes Disease. Identifiers: Orphanet 565, MedGen C0022716, MONDO:0010651, OMIM 309400.

Submissions (2):

ARUP Laboratories, Molecular Genetics and Genomics, ARUP Laboratories
Classification: Likely pathogenic. Last evaluated: 2018-09-13. Review status: criteria provided, single submitter. Criteria: ARUP Molecular Germline Variant Investigation Process. Collection method: clinical testing. Allele origin: germline.
Comment: The ATP7A c.3902A>G; p.Asp1301Gly variant is reported in the literature in at least one individual affected with classic Menkes disease (Gourdon 2011). This variant is reported in ClinVar (Variation ID: 439425), but is absent from general population databases (1000 Genomes Project, Exome Variant Server, and Genome Aggregation Database), indicating it is not a common polymorphism. The aspartate at codon 1301 is highly conserved, and computational analyses (SIFT, PolyPhen2) predict that this variant is deleterious. Functional analyses of the variant protein show reduced protein trafficking to the cellular membrane, which correlates with disease severity (Gourdon 2011, Skjorringe 2017). Based on available information, the p.Asp1301Gly variant is considered to be likely pathogenic. References: Gourdon P et al. Crystal structure of a copper-transporting PIB-type ATPase. Nature. 2011 Jun 29;475(7354):59-64. Skjorringe T et al. Characterization of ATP7A missense mutants suggests a correlation between intracellular trafficking and severity of Menkes disease. Sci Rep. 2017 Apr 7;7(1):757.

Inherited Neuropathy Consortium Ii, University Of Miami
Classification: Uncertain significance for Menkes kinky-hair syndrome. Last evaluated: 2016-01-06. Review status: no assertion criteria provided. Collection method: literature only. Allele origin: germline. Affected: yes. Not counted in ClinVar's aggregate classification.

Literature cited by the submitters: PubMed 21208200 (cited by Inherited Neuropathy Consortium Ii, University Of Miami).